The following is an entry in ClinVar:

NM_178862.3(STT3B):c.2400+169A>C

Gene: STT3B (STT3 oligosaccharyltransferase complex catalytic subunit B; plus strand). Cytogenetic location: 3p23.
Variant type: single nucleotide variant.
Coding change: c.2400+169A>C on transcript NM_178862.3 (MANE Select); 169 bases into the intron after coding-DNA position 2400, A replaced by C.
Molecular consequence: intron variant.
Genome position (GRCh38, 1-based): chr3:31,633,316, A>C. VCF-style: chr3-31633316-A-C. GRCh37 (hg19) VCF-style: chr3-31674808-A-C.
Identifiers: ClinVar variation 4813934 (VCV004813934.1).
Genomic context (GRCh38, chr3:31,633,316, plus strand): 5'-TATGGCTTCTATATTAATACGAAGTAAATATCAGCCTAGCCTGCTAGGAGCATTCCTTTC[A>C]AACTGAGCACTTCAGATATCCCAAGCTGAGATTTTTCCAGAGGCCTTCTGGCTTTGGTTT-3'

ClinVar aggregate classification (germline): Likely benign (1 of 4 stars; one submission).

gnomAD v4.1: 1,227 of 649,414 alleles (0.19%); highest among the groups gnomAD compares: African/African-American, 2%; 16 homozygotes.

Submission:

GeneDx
Classification: Likely benign. Last evaluated: 2019-10-29. Review status: criteria provided, single submitter. Criteria: GeneDx Variant Classification Process June 2021. Collection method: clinical testing. Allele origin: germline. Affected: yes.
Comment: See Variant Classification Assertion Criteria.